The following is an entry in ClinVar:

ClinVar aggregate classification (germline): Pathogenic. Review status: reviewed by expert panel (3 of 4 stars). 2 submissions from 2 submitters: Pathogenic (1). 1 of the submissions does not count toward it. Last evaluated 2016-10-18.

Conditions:
Breast-ovarian cancer, familial, susceptibility to, 2 (BROVCA2). Also called: BRCA2 Hereditary Breast and Ovarian Cancer. Identifiers: Orphanet 145, MedGen C2675520, MONDO:0012933, OMIM 612555. Disease mechanism: loss of function.

Submissions (2):

Evidence-based Network for the Interpretation of Germline Mutant Alleles (ENIGMA)
Classification: Pathogenic for Breast-ovarian cancer, familial, susceptibility to, 2. Last evaluated: 2016-10-18. Review status: reviewed by expert panel. Criteria: ENIGMA BRCA1/2 Classification Criteria (2015). Collection method: curation. Allele origin: germline.
Comment: Variant allele predicted to encode a truncated non-functional protein.

Consortium of Investigators of Modifiers of BRCA1/2 (CIMBA), c/o University of Cambridge
Classification: Pathogenic for Breast-ovarian cancer, familial, susceptibility to, 2. Last evaluated: 2015-10-02. Review status: criteria provided, single submitter. Criteria: CIMBA Mutation Classification guidelines May 2016. Collection method: clinical testing. Allele origin: germline. Not counted in ClinVar's aggregate classification.

NM_000059.4(BRCA2):c.583del (p.Ser195fs)

Gene: BRCA2 (BRCA2 DNA repair associated; plus strand). Cytogenetic location: 13q13.1.
Variant type: Deletion.
Coding change: c.583del on transcript NM_000059.4 (MANE Select); coding-DNA position 583, one base deleted (T; older notation c.583delT).
Protein change: p.Ser195fs; shifts the reading frame from serine 195.
Molecular consequence: frameshift variant.
Genome position (GRCh38, 1-based): chr13:32,326,565, T deleted. VCF-style (leftmost placement, unchanged base first): chr13-32326564-GT-G. GRCh37 (hg19) VCF-style: chr13-32900701-GT-G.
Other names: 811delT; short protein forms S195fs.
Identifiers: ClinVar variation 266900 (VCV000266900.7), dbSNP rs886040615, ClinGen allele CA10589035.
Genomic context (GRCh38, chr13:32,326,564, plus strand): 5'-TCAGACACCAAAACATATTTCTGAAAGTCTAGGAGCTGAGGTGGATCCTGATATGTCTTG[GT>G]CAAGTTCTTTAGCTACACCACCCACCCTTAGTTCTACTGTGCTCATAGGTAATAATAGCA-3'